The following is an entry in ClinVar:

ClinVar aggregate classification (germline): Conflicting classifications of pathogenicity. Review status: criteria provided, conflicting classifications (1 of 4 stars). 2 submissions from 2 submitters: Uncertain significance (1); Likely benign (1). Last evaluated 2025-07-16.

Conditions:
Bohring-Opitz syndrome. Also called: C-LIKE SYNDROME; BOHRING SYNDROME; OPITZ TRIGONOCEPHALY-LIKE SYNDROME; ASXL1-Related Bohring-Opitz Syndrome. Identifiers: Orphanet 97297, MedGen C0796232, MONDO:0011510, OMIM 605039.
Inborn genetic diseases. Identifiers: MedGen C0950123, MeSH D030342.

Allele frequency attached by ClinVar (database versions not stated): gnomAD exomes below 0.00001; TOPMed below 0.00001; gnomAD 0.00001.

Submissions (2):

Ambry Genetics
Classification: Uncertain significance for Inborn genetic diseases. Last evaluated: 2025-07-16. Review status: criteria provided, single submitter. Criteria: Ambry Variant Classification Scheme 2023. Collection method: clinical testing. Allele origin: germline.
Comment: The p.E566D variant (also known as c.1698G>C), located in coding exon 12 of the ASXL1 gene, results from a G to C substitution at nucleotide position 1698. The glutamic acid at codon 566 is replaced by aspartic acid, an amino acid with highly similar properties. This amino acid position is conserved. In addition, this alteration is predicted to be tolerated by in silico analysis. Based on the available evidence, the clinical significance of this variant remains unclear.

Laboratory of Medical Genetics, National & Kapodistrian University of Athens
Classification: Likely benign for Bohring-Opitz syndrome. Last evaluated: 2022-03-03. Review status: criteria provided, single submitter. Criteria: ACMG Guidelines, 2015. Collection method: clinical testing. Allele origin: maternal. Affected: yes.
Comment: PM2, PP3, BS2

NM_015338.6(ASXL1):c.1698G>C (p.Glu566Asp)

Gene: ASXL1 (ASXL transcriptional regulator 1; plus strand). Cytogenetic location: 20q11.21.
Variant type: single nucleotide variant.
Coding change: c.1698G>C on transcript NM_015338.6 (MANE Select); coding-DNA position 1698, G replaced by C.
Protein change: p.Glu566Asp; replaces glutamic acid 566 with aspartic acid.
Molecular consequence: missense variant.
Genome position (GRCh38, 1-based): chr20:32,433,896, G>C. VCF-style: chr20-32433896-G-C. GRCh37 (hg19) VCF-style: chr20-31021699-G-C.
Other names: c.1515G>C, p.Glu505Asp (NM_001363734.1); short protein forms E505D, E566D.
Identifiers: ClinVar variation 1708093 (VCV001708093.2), dbSNP rs1279708959, ClinGen allele CA408557688.